The following is an entry in ClinVar:

NM_000057.4(BLM):c.794_798del (p.Glu265fs)

Gene: BLM (BLM RecQ like helicase; plus strand). Cytogenetic location: 15q26.1.
Variant type: Deletion.
Coding change: c.794_798del on transcript NM_000057.4 (MANE Select); coding-DNA positions 794 to 798, 5 bases deleted (AAAGA; older notation c.794_798delAAAGA).
Protein change: p.Glu265fs; shifts the reading frame from glutamic acid 265.
Molecular consequence: frameshift variant. On other transcripts: 5 prime UTR variant (1).
Genome position (GRCh38, 1-based): chr15:90,750,062-90,750,066, AAAGA deleted. VCF-style (leftmost placement, unchanged base first): chr15-90750061-GAAAGA-G. GRCh37 (hg19) VCF-style: chr15-91293291-GAAAGA-G.
Other names: c.794_798del, p.Glu265fs (NM_001287246.2, NM_001287247.2); c.-498_-494del (NM_001287248.2); short protein forms E265fs.
Identifiers: ClinVar variation 3627074 (VCV003627074.2).

ClinVar aggregate classification (germline): Pathogenic (1 of 4 stars; one submission).

Conditions:
Bloom syndrome (BLM). Also called: Bloom-Torre-Machacek syndrome. Identifiers: Orphanet 125, MedGen C0005859, MONDO:0008876, OMIM 210900.

Submission:

Labcorp Genetics (formerly Invitae), Labcorp
Classification: Pathogenic for Bloom syndrome. Last evaluated: 2024-02-14. Review status: criteria provided, single submitter. Criteria: Invitae Variant Classification Sherloc (09022015). Collection method: clinical testing. Allele origin: germline.
Comment: This sequence change creates a premature translational stop signal (p.Glu265Glyfs*2) in the BLM gene. It is expected to result in an absent or disrupted protein product. Loss-of-function variants in BLM are known to be pathogenic (PMID: 17407155). This variant is not present in population databases (gnomAD no frequency). This variant has not been reported in the literature in individuals affected with BLM-related conditions. Algorithms developed to predict the effect of sequence changes on RNA splicing suggest that this variant may disrupt the consensus splice site. For these reasons, this variant has been classified as Pathogenic.

Literature cited by the submitters: PubMed 17407155.